The following is an entry in ClinVar:

NM_002972.4(SBF1):c.5043+5G>A

Gene: SBF1 (SET binding factor 1; minus strand). Cytogenetic location: 22q13.33.
Variant type: single nucleotide variant.
Coding change: c.5043+5G>A on transcript NM_002972.4 (MANE Select); 5 bases into the intron after coding-DNA position 5043, G replaced by A.
Molecular consequence: intron variant.
Genome position (GRCh38, 1-based): chr22:50,454,507, C>T on the plus strand (G>A on the coding strand, the complement: SBF1 is on the minus strand). VCF-style: chr22-50454507-C-T. GRCh37 (hg19) VCF-style: chr22-50892936-C-T.
Other names: c.4968+5G>A (NM_001365819.1).
Identifiers: ClinVar variation 1511489 (VCV001511489.6), dbSNP rs369692856, ClinGen allele CA10316038.

ClinVar aggregate classification (germline): Uncertain significance (1 of 4 stars; one submission).

Allele frequency attached by ClinVar (database versions not stated): gnomAD 0.00002; TOPMed 0.00003; ESP Exome Variant Server 0.00016.

Submission:

Labcorp Genetics (formerly Invitae), Labcorp
Classification: Uncertain significance. Last evaluated: 2021-06-16. Review status: criteria provided, single submitter. Criteria: Invitae Variant Classification Sherloc (09022015). Collection method: clinical testing. Allele origin: germline.
Comment: Nucleotide substitutions within the consensus splice site are a relatively common cause of aberrant splicing (PMID: 17576681, 9536098). Algorithms developed to predict the effect of sequence changes on RNA splicing suggest that this variant may disrupt the consensus splice site, but this prediction has not been confirmed by published transcriptional studies. This variant has not been reported in the literature in individuals with SBF1-related conditions. This variant is present in population databases (rs369692856, ExAC 0.01%). This sequence change falls in intron 36 of the SBF1 gene. It does not directly change the encoded amino acid sequence of the SBF1 protein. It affects a nucleotide within the consensus splice site of the intron. In summary, the available evidence is currently insufficient to determine the role of this variant in disease. Therefore, it has been classified as a Variant of Uncertain Significance.

Literature cited by the submitters: PubMed 17576681; PubMed 9536098.